The following is an entry in ClinVar:

NM_000051.4(ATM):c.44T>A (p.Leu15Gln)

Gene: ATM (ATM serine/threonine kinase; plus strand). Cytogenetic location: 11q22.3.
Variant type: single nucleotide variant.
Coding change: c.44T>A on transcript NM_000051.4 (MANE Select); coding-DNA position 44, T replaced by A.
Protein change: p.Leu15Gln; replaces leucine 15 with glutamine.
Molecular consequence: missense variant.
Genome position (GRCh38, 1-based): chr11:108,227,668, T>A. VCF-style: chr11-108227668-T-A. GRCh37 (hg19) VCF-style: chr11-108098395-T-A.
Other names: c.44T>A, p.Leu15Gln (NM_001351834.2, NM_001351835.2, NM_001351836.2); short protein forms L15Q.
Identifiers: ClinVar variation 524345 (VCV000524345.7), dbSNP rs1555053927, ClinGen allele CA382519152.
Genomic context (GRCh38, chr11:108,227,668, plus strand): 5'-TTCTGAAATTGTGAACCATGAGTCTAGTACTTAATGATCTGCTTATCTGCTGCCGTCAAC[T>A]AGAACATGATAGAGCTACAGAACGAAAGGTAGTAAATTACTTAAATTCAATTTTTCCTTG-3'
Protein context (NP_000042.3, residues 5-25): LNDLLICCRQ[Leu15Gln]EHDRATERKK

ClinVar aggregate classification (germline): Uncertain significance (1 of 4 stars; one submission).

Conditions:
Ataxia-telangiectasia syndrome (AT). Also called: ATAXIA-TELANGIECTASIA, COMPLEMENTATION GROUP A; ATAXIA-TELANGIECTASIA, FRESNO VARIANT; Ataxia-telangiectasia; Ataxia-telangiectasia, complementation group D; AT, COMPLEMENTATION GROUP C; Ataxia-telangiectasia, complementation group E. Identifiers: Orphanet 100, MedGen C0004135, MONDO:0008840, OMIM 208900.

Submission:

Labcorp Genetics (formerly Invitae), Labcorp
Classification: Uncertain significance for Ataxia-telangiectasia syndrome. Last evaluated: 2017-08-02. Review status: criteria provided, single submitter. Criteria: Invitae Variant Classification Sherloc (09022015). Collection method: clinical testing. Allele origin: germline.
Comment: In summary, the available evidence is currently insufficient to determine the role of this variant in disease. Therefore, it has been classified as a Variant of Uncertain Significance. Algorithms developed to predict the effect of missense changes on protein structure and function (SIFT, PolyPhen-2, Align-GVGD) all suggest that this variant is likely to be disruptive, but these predictions have not been confirmed by published functional studies and their clinical significance is uncertain. This variant has not been reported in the literature in individuals with ATM-related disease. This variant is not present in population databases (ExAC no frequency). This sequence change replaces leucine with glutamine at codon 15 of the ATM protein (p.Leu15Gln). The leucine residue is highly conserved and there is a moderate physicochemical difference between leucine and glutamine.